The following is an entry in ClinVar:

ClinVar aggregate classification (germline): Uncertain significance. Review status: criteria provided, multiple submitters, no conflicts (2 of 4 stars). 3 submissions from 3 submitters: Uncertain significance (3). Last evaluated 2024-04-17.

Conditions:
Leukodystrophy, hypomyelinating, 12. Identifiers: Orphanet 466934, MedGen C4225247, MONDO:0014732, OMIM 616683.

Allele frequency attached by ClinVar (database versions not stated): ExAC 0.00003; gnomAD exomes 0.00005 and 0.00016; ESP Exome Variant Server 0.00008; gnomAD 0.00016 and 0.00018; TOPMed 0.00017; 1000 Genomes Project 0.00020; 1000 Genomes Project 30x 0.00031.
gnomAD v4.1: 267 of 1,613,936 alleles (0.017%); highest among the groups gnomAD compares: Non-Finnish European, 0.02%; no homozygotes.

Submissions (3):

Labcorp Genetics (formerly Invitae), Labcorp
Classification: Uncertain significance. Last evaluated: 2024-04-17. Review status: criteria provided, single submitter. Criteria: Invitae Variant Classification Sherloc (09022015). Collection method: clinical testing. Allele origin: germline.
Comment: This sequence change replaces histidine, which is basic and polar, with tyrosine, which is neutral and polar, at codon 936 of the VPS11 protein (p.His936Tyr). This variant is present in population databases (rs368499558, gnomAD 0.01%). This variant has not been reported in the literature in individuals affected with VPS11-related conditions. ClinVar contains an entry for this variant (Variation ID: 1032883). Experimental studies and prediction algorithms are not available or were not evaluated, and the functional significance of this variant is currently unknown. In summary, the available evidence is currently insufficient to determine the role of this variant in disease. Therefore, it has been classified as a Variant of Uncertain Significance.

GeneDx
Classification: Uncertain significance. Last evaluated: 2020-01-21. Review status: criteria provided, single submitter. Criteria: GeneDx Variant Classification Process June 2021. Collection method: clinical testing. Allele origin: germline. Affected: yes.
Comment: In silico analysis, which includes protein predictors and evolutionary conservation, supports that this variant does not alter protein structure/function; Has not been previously published as pathogenic or benign to our knowledge

Baylor Genetics
Classification: Uncertain significance for Leukodystrophy, hypomyelinating, 12. Last evaluated: 2018-05-07. Review status: criteria provided, single submitter. Criteria: ACMG Guidelines, 2015. Collection method: clinical testing. Allele origin: unknown. Affected: yes.
Comment: This variant was determined to be of uncertain significance according to ACMG Guidelines, 2015 [PMID:25741868].

NM_021729.6(VPS11):c.2806C>T (p.His936Tyr)

Gene: VPS11 (VPS11 core subunit of CORVET and HOPS complexes; plus strand). Cytogenetic location: 11q23.3.
Variant type: single nucleotide variant.
Coding change: c.2806C>T on transcript NM_021729.6 (MANE Select); coding-DNA position 2806, C replaced by T.
Protein change: p.His936Tyr; replaces histidine 936 with tyrosine.
Molecular consequence: missense variant. On other transcripts: non-coding transcript variant (8).
Genome position (GRCh38, 1-based): chr11:119,081,603, C>T. VCF-style: chr11-119081603-C-T. GRCh37 (hg19) VCF-style: chr11-118952313-C-T.
Other names: c.2776C>T, p.His926Tyr (NM_001290185.2); c.2818C>T, p.His940Tyr (NM_001378218.1, NM_001378219.1); c.2791C>T, p.His931Tyr (NM_001378220.1); c.2788C>T, p.His930Tyr (NM_001378221.1); short protein forms H936Y, H940Y, H931Y, H926Y, H930Y.
Identifiers: ClinVar variation 1032883 (VCV001032883.5), dbSNP rs368499558, ClinGen allele CA6313796.